The following is an entry in ClinVar:

ClinVar aggregate classification (germline): Likely benign (1 of 4 stars; one submission).

Submission:

CeGaT Center for Human Genetics Tuebingen
Classification: Likely benign. Last evaluated: 2022-05-01. Review status: criteria provided, single submitter. Criteria: CeGaT Center For Human Genetics Tuebingen Variant Classification Criteria Version 2. Collection method: clinical testing. Allele origin: germline. Affected: yes. Observed: 1 variant allele.
Comment: FANCA: PM2:Supporting, BP4, BP7

NM_000135.4(FANCA):c.3813A>G (p.Ser1271=)

Genes: ZNF276 (zinc finger protein 276; plus strand), FANCA (FA complementation group A; minus strand). Cytogenetic location: 16q24.3.
Variant type: single nucleotide variant.
Coding change: c.3813A>G on transcript NM_000135.4 (MANE Select); coding-DNA position 3813, A replaced by G.
Protein change: p.Ser1271=; no amino-acid change (serine 1271 retained).
Molecular consequence: synonymous variant. On other transcripts: non-coding transcript variant (4), 3 prime UTR variant (2).
Genome position (GRCh38, 1-based): chr16:89,740,819, T>C on the plus strand (A>G on the coding strand, the complement: FANCA is on the minus strand). VCF-style: chr16-89740819-T-C. GRCh37 (hg19) VCF-style: chr16-89807227-T-C.
Other names: c.3813A>G, p.Ser1271= (NM_001286167.3); c.*2573T>C (NM_001113525.2, NM_152287.4).
Identifiers: ClinVar variation 2647136 (VCV002647136.24), dbSNP rs2544094969, ClinGen allele CA497194475.